The following is an entry in ClinVar:

ClinVar aggregate classification (germline): Pathogenic (1 of 4 stars; one submission).

Conditions:
Congenital generalized lipodystrophy type 1 (CGL1). Also called: Berardinelli-Seip Congenital Lipodystrophy Type 1; BRUNZELL SYNDROME, AGPAT2-RELATED. Identifiers: Orphanet 528, Orphanet 696189, MedGen C1720862, MONDO:0012071, OMIM 608594.

Submission:

MVZ Medizinische Genetik Mainz
Classification: Pathogenic for Congenital generalized lipodystrophy type 1. Last evaluated: 2024-04-23. Review status: criteria provided, single submitter. Criteria: UK Practice Guidelines For Variant Classification V4 01 2020. Collection method: clinical testing. Allele origin: germline. Inheritance: Autosomal recessive inheritance. Affected: yes. Observed: 1 variant allele.
Comment: ACMG Criteria: PVS1,PM2_SUP,PM3_SUP,PP4

NM_006412.4(AGPAT2):c.530_537dup (p.Asp180fs)

Gene: AGPAT2 (1-acylglycerol-3-phosphate O-acyltransferase 2; minus strand). Cytogenetic location: 9q34.3.
Variant type: Duplication.
Coding change: c.530_537dup on transcript NM_006412.4 (MANE Select); coding-DNA positions 530 to 537, 8 bases duplicated (ACAATGGG; older notation c.530_537dupACAATGGG).
Protein change: p.Asp180fs; shifts the reading frame from aspartic acid 180.
Molecular consequence: frameshift variant. On other transcripts: intron variant (1).
Genome position (GRCh38, 1-based): chr9:136,676,636-136,676,643, CCCATTGT duplicated on the plus strand (ACAATGGG on the coding strand, the reverse complement: AGPAT2 is on the minus strand); duplicating any 8 consecutive bases within chr9:136,676,636-136,676,644 gives the same sequence; the c. name uses the placement nearest the transcript's 3' end. VCF-style (leftmost placement, unchanged base first): chr9-136676635-C-CCCCATTGT. GRCh37 (hg19) VCF-style: chr9-139571087-C-CCCCATTGT.
Other names: c.492+318_492+325dup (NM_001012727.2); short protein forms D180fs.
Identifiers: ClinVar variation 3256879 (VCV003256879.1).